The following is an entry in ClinVar:

ClinVar aggregate classification (germline): Uncertain significance (1 of 4 stars; one submission).

Conditions:
Cone-rod dystrophy 6 (CORD6). Also called: Cone dystrophy progressive; RETINAL CONE DYSTROPHY 2. Identifiers: Orphanet 1872, MedGen C1866293, MONDO:0011143, OMIM 601777.
Leber congenital amaurosis 1 (LCA1). Also called: AMAUROSIS CONGENITA OF LEBER I; RETINAL BLINDNESS, CONGENITAL; Congenital absence of the rods and cones; Leber's congenital tapetoretinal degeneration; Leber's congenital tapetoretinal dysplasia. Identifiers: Orphanet 65, MedGen C2931258, MONDO:0008764, OMIM 204000.

gnomAD v4.1: 2 of 1,593,752 alleles (0.00013%); highest among the groups gnomAD compares: Non-Finnish European, 0.00017%; no homozygotes.

Submission:

Labcorp Genetics (formerly Invitae), Labcorp
Classification: Uncertain significance for Leber congenital amaurosis 1; Cone-rod dystrophy 6. Last evaluated: 2021-07-28. Review status: criteria provided, single submitter. Criteria: Invitae Variant Classification Sherloc (09022015). Collection method: clinical testing. Allele origin: germline.
Comment: In summary, the available evidence is currently insufficient to determine the role of this variant in disease. Therefore, it has been classified as a Variant of Uncertain Significance. Nucleotide substitutions within the consensus splice site are a relatively common cause of aberrant splicing (PMID: 17576681, 9536098). Algorithms developed to predict the effect of sequence changes on RNA splicing suggest that this variant may disrupt the consensus splice site. This variant has been observed in individual(s) with Leber congenital amaurosis (Invitae). This variant is not present in population databases (ExAC no frequency). This sequence change falls in intron 4 of the GUCY2D gene. It does not directly change the encoded amino acid sequence of the GUCY2D protein. It affects a nucleotide within the consensus splice site of the intron.

Literature cited by the submitters: PubMed 17576681; PubMed 9536098.

NM_000180.4(GUCY2D):c.1378+5G>C

Gene: GUCY2D (guanylate cyclase 2D, retinal; plus strand). Cytogenetic location: 17p13.1.
Variant type: single nucleotide variant.
Coding change: c.1378+5G>C on transcript NM_000180.4 (MANE Select); 5 bases into the intron after coding-DNA position 1378, G replaced by C.
Molecular consequence: intron variant.
Genome position (GRCh38, 1-based): chr17:8,006,719, G>C. VCF-style: chr17-8006719-G-C. GRCh37 (hg19) VCF-style: chr17-7910037-G-C.
Identifiers: ClinVar variation 1367578 (VCV001367578.6), dbSNP rs2151800630, ClinGen allele CA2573154504.
Genomic context (GRCh38, chr17:8,006,719, plus strand): 5'-AGCACCCGGACCTGACCCCTCGTGCTGGTTCGATCCAAACAACATCTGCGGTGGAGGTGA[G>C]GGCGAGCACCCCAGTCCCCACTGAGACAATCGCCATGGACCATCCACAAAGTGATGAAAG-3'